The following is an entry in ClinVar:

ClinVar aggregate classification (germline): Uncertain significance (1 of 4 stars; one submission).

Conditions:
Hyper-IgE recurrent infection syndrome 3, autosomal recessive. Also called: Autosomal recessive hyper-IgE syndrome due to ZNF341 deficiency; HYPER-IgE SYNDROME 3, AUTOSOMAL RECESSIVE, WITH RECURRENT INFECTIONS. Identifiers: Orphanet 641368, MedGen C4748969, MONDO:0032654, OMIM 618282.

Allele frequency attached by ClinVar (database versions not stated): gnomAD 0.00002; TOPMed 0.00004.
gnomAD v4.1: 16 of 1,613,394 alleles (0.00099%); highest among the groups gnomAD compares: Non-Finnish European, 0.0013%; no homozygotes.

Submission:

Labcorp Genetics (formerly Invitae), Labcorp
Classification: Uncertain significance for Combined immunodeficiency due to DOCK8 deficiency. Last evaluated: 2023-12-06. Review status: criteria provided, single submitter. Criteria: Invitae Variant Classification Sherloc (09022015). Collection method: clinical testing. Allele origin: germline.
Comment: This sequence change replaces tryptophan, which is neutral and slightly polar, with cysteine, which is neutral and slightly polar, at codon 670 of the DOCK8 protein (p.Trp670Cys). This variant is present in population databases (no rsID available, gnomAD 0.002%). This variant has not been reported in the literature in individuals affected with DOCK8-related conditions. ClinVar contains an entry for this variant (Variation ID: 1002782). An algorithm developed to predict the effect of missense changes on protein structure and function (PolyPhen-2) suggests that this variant is likely to be disruptive. In summary, the available evidence is currently insufficient to determine the role of this variant in disease. Therefore, it has been classified as a Variant of Uncertain Significance.

NM_203447.4(DOCK8):c.2010G>T (p.Trp670Cys)

Gene: DOCK8 (dedicator of cytokinesis 8; plus strand). Cytogenetic location: 9p24.3.
Variant type: single nucleotide variant.
Coding change: c.2010G>T on transcript NM_203447.4 (MANE Select); coding-DNA position 2010, G replaced by T.
Protein change: p.Trp670Cys; replaces tryptophan 670 with cysteine.
Molecular consequence: missense variant.
Genome position (GRCh38, 1-based): chr9:372,187, G>T. VCF-style: chr9-372187-G-T. GRCh37 (hg19) VCF-style: chr9-372187-G-T.
Other names: c.1806G>T, p.Trp602Cys (NM_001190458.2, NM_001193536.2); short protein forms W602C, W670C.
Identifiers: ClinVar variation 1002782 (VCV001002782.5), dbSNP rs915792816, ClinGen allele CA187809557.